The following is an entry in ClinVar:

NM_000051.4(ATM):c.6527_6530dup (p.Gln2177fs)

Genes: ATM (ATM serine/threonine kinase; plus strand), C11orf65 (chromosome 11 open reading frame 65; minus strand). Cytogenetic location: 11q22.3.
Variant type: Duplication.
Coding change: c.6527_6530dup on transcript NM_000051.4 (MANE Select); coding-DNA positions 6527 to 6530, 4 bases duplicated (TGCA; older notation c.6527_6530dupTGCA).
Protein change: p.Gln2177fs; shifts the reading frame from glutamine 2177.
Molecular consequence: frameshift variant. On other transcripts: intron variant (2).
Genome position (GRCh38, 1-based): chr11:108,321,375-108,321,378, TGCA duplicated. VCF-style (leftmost placement, unchanged base first): chr11-108321374-T-TTGCA. GRCh37 (hg19) VCF-style: chr11-108192101-T-TTGCA.
Other names: c.6527_6530dup, p.Gln2177fs (NM_001351834.2); c.641-12307_641-12304dup (NM_001330368.2); c.*39-12307_*39-12304dup (NM_001351110.2); c.6527_6530dupTGCA (NM_000051.3, NM_000051.4); short protein forms Q2177fs.
Identifiers: ClinVar variation 975008 (VCV000975008.6), dbSNP rs2085200653, ClinGen allele CA1139662248.
Genomic context (GRCh38, chr11:108,321,374, plus strand): 5'-GAAGAGATGTGTAAGCGCAGCCTTGAGTCTGTGTATTCGCTCTATCCCACACTTAGCAGG[T>TTGCA]TGCAGGCCATTGGAGAGCTGGAAAGCATTGGGGAGCTTTTCTCAAGGTATGTAATTCGTA-3'

ClinVar aggregate classification (germline): Pathogenic/Likely pathogenic. Review status: criteria provided, multiple submitters, no conflicts (2 of 4 stars). 4 submissions from 4 submitters: Pathogenic (3); Likely pathogenic (1). Last evaluated 2024-06-24.

Conditions:
Hereditary cancer-predisposing syndrome. Also called: Tumor predisposition; Neoplastic Syndromes, Hereditary; Hereditary neoplastic syndrome; Hereditary Cancer Syndrome. Identifiers: Orphanet 140162, MedGen C0027672, MeSH D009386, MONDO:0015356.
Malignant tumor of breast. Also called: Malignant breast neoplasm; Cancer breast. Identifiers: MedGen C0006142, MONDO:0007254. Disease mechanism: loss of function.
Familial cancer of breast. Also called: Hereditary breast cancer; hereditary breast carcinoma; BREAST CANCER, FAMILIAL. Identifiers: Orphanet 227535, MedGen C0346153, MONDO:0016419, OMIM 114480. Disease mechanism: loss of function.

Submissions (4):

Women's Health and Genetics/Laboratory Corporation of America, LabCorp
Classification: Pathogenic for Malignant tumor of breast. Last evaluated: 2024-06-24. Review status: criteria provided, single submitter. Criteria: LabCorp Variant Classification Summary - May 2015. Collection method: clinical testing. Allele origin: germline.
Comment: Variant summary: ATM c.6527_6530dupTGCA (p.Gln2177HisfsX21) results in a premature termination codon, predicted to cause a truncation of the encoded protein or absence of the protein due to nonsense mediated decay, which are commonly known mechanisms for disease. The variant was absent in 251448 control chromosomes. To our knowledge, no occurrence of c.6527_6530dupTGCA in individuals affected with Breast Cancer and no experimental evidence demonstrating its impact on protein function have been reported. ClinVar contains an entry for this variant (Variation ID: 975008). Based on the evidence outlined above, the variant was classified as pathogenic.

Ambry Genetics
Classification: Pathogenic for Hereditary cancer-predisposing syndrome. Last evaluated: 2024-03-12. Review status: criteria provided, single submitter. Criteria: Ambry Variant Classification Scheme 2023. Collection method: clinical testing. Allele origin: germline.
Comment: The c.6527_6530dupTGCA pathogenic mutation, located in coding exon 44 of the ATM gene, results from a duplication of TGCA at nucleotide position 6527, causing a translational frameshift with a predicted alternate stop codon (p.Q2177Hfs*21). This variant is considered to be rare based on population cohorts in the Genome Aggregation Database (gnomAD). This alteration is expected to result in loss of function by premature protein truncation or nonsense-mediated mRNA decay. As such, this alteration is interpreted as a disease-causing mutation.

Myriad Genetics, Inc.
Classification: Pathogenic for Familial cancer of breast. Last evaluated: 2024-01-30. Review status: criteria provided, single submitter. Criteria: Myriad Autosomal Dominant, Autosomal Recessive and X-Linked Classification Criteria (2023). Collection method: clinical testing. Allele origin: unknown.
Comment: This variant is considered pathogenic. This variant creates a frameshift predicted to result in premature protein truncation.

Baylor Genetics
Classification: Likely pathogenic for Familial cancer of breast. Last evaluated: 2021-11-22. Review status: criteria provided, single submitter. Criteria: ACMG Guidelines, 2015. Collection method: clinical testing. Allele origin: unknown.